The following is an entry in ClinVar:

NM_004304.5(ALK):c.2128C>A (p.Leu710Met)

Gene: ALK (ALK receptor tyrosine kinase; minus strand). Cytogenetic location: 2p23.2.
Variant type: single nucleotide variant.
Coding change: c.2128C>A on transcript NM_004304.5 (MANE Select); coding-DNA position 2128, C replaced by A.
Protein change: p.Leu710Met; replaces leucine 710 with methionine.
Molecular consequence: missense variant.
Genome position (GRCh38, 1-based): chr2:29,251,181, G>T on the plus strand (C>A on the coding strand, the complement: ALK is on the minus strand). VCF-style: chr2-29251181-G-T. GRCh37 (hg19) VCF-style: chr2-29474047-G-T.
Other names: short protein forms L710M.
Identifiers: ClinVar variation 2716151 (VCV002716151.3), dbSNP rs2148197444, ClinGen allele CA346476946.

ClinVar aggregate classification (germline): Uncertain significance (1 of 4 stars; one submission).

Conditions:
Neuroblastoma, susceptibility to, 3. Also called: ALK-Related Neuroblastic Tumor Susceptibility. Identifiers: Orphanet 635, MedGen C2751681, MONDO:0013083, OMIM 613014.

Submission:

Labcorp Genetics (formerly Invitae), Labcorp
Classification: Uncertain significance for Neuroblastoma, susceptibility to, 3. Last evaluated: 2024-03-29. Review status: criteria provided, single submitter. Criteria: Invitae Variant Classification Sherloc (09022015). Collection method: clinical testing. Allele origin: germline.
Comment: This sequence change replaces leucine, which is neutral and non-polar, with methionine, which is neutral and non-polar, at codon 710 of the ALK protein (p.Leu710Met). This variant is not present in population databases (gnomAD no frequency). This variant has not been reported in the literature in individuals affected with ALK-related conditions. An algorithm developed to predict the effect of missense changes on protein structure and function (PolyPhen-2) suggests that this variant is likely to be disruptive. In summary, the available evidence is currently insufficient to determine the role of this variant in disease. Therefore, it has been classified as a Variant of Uncertain Significance.